The following is an entry in ClinVar:

NM_001079668.3(NKX2-1):c.1024G>A (p.Gly342Ser)

Genes: NKX2-1 (NK2 homeobox 1; minus strand), SFTA3 (surfactant associated 3; minus strand). Cytogenetic location: 14q13.3.
Variant type: single nucleotide variant.
Coding change: c.1024G>A on transcript NM_001079668.3 (MANE Select); coding-DNA position 1024, G replaced by A.
Protein change: p.Gly342Ser; replaces glycine 342 with serine.
Molecular consequence: missense variant.
Genome position (GRCh38, 1-based): chr14:36,517,460, C>T on the plus strand (G>A on the coding strand, the complement: NKX2-1 is on the minus strand). VCF-style: chr14-36517460-C-T. GRCh37 (hg19) VCF-style: chr14-36986665-C-T.
Other names: c.934G>A, p.Gly312Ser (NM_003317.4); short protein forms G312S, G342S.
Identifiers: ClinVar variation 2805362 (VCV002805362.3), dbSNP rs1881081845, ClinGen allele CA389458379.

ClinVar aggregate classification (germline): Uncertain significance (1 of 4 stars; one submission).

Allele frequency attached by ClinVar (database versions not stated): gnomAD exomes below 0.00001.
gnomAD v4.1: 6 of 1,430,766 alleles (0.00042%); highest among the groups gnomAD compares: East Asian, 0.003%; no homozygotes.

Submission:

Labcorp Genetics (formerly Invitae), Labcorp
Classification: Uncertain significance. Last evaluated: 2023-05-31. Review status: criteria provided, single submitter. Criteria: Invitae Variant Classification Sherloc (09022015). Collection method: clinical testing. Allele origin: germline.
Comment: In summary, the available evidence is currently insufficient to determine the role of this variant in disease. Therefore, it has been classified as a Variant of Uncertain Significance. Algorithms developed to predict the effect of missense changes on protein structure and function output the following: SIFT: "Not Available"; PolyPhen-2: "Benign"; Align-GVGD: "Not Available". The serine amino acid residue is found in multiple mammalian species, which suggests that this missense change does not adversely affect protein function. This variant has not been reported in the literature in individuals affected with NKX2-1-related conditions. This variant is not present in population databases (gnomAD no frequency). This sequence change replaces glycine, which is neutral and non-polar, with serine, which is neutral and polar, at codon 342 of the NKX2-1 protein (p.Gly342Ser).